The following is an entry in ClinVar:

NM_007194.4(CHEK2):c.898G>T (p.Val300Phe)

Gene: CHEK2 (checkpoint kinase 2; minus strand). Cytogenetic location: 22q12.1.
Variant type: single nucleotide variant.
Coding change: c.898G>T on transcript NM_007194.4 (MANE Select); coding-DNA position 898, G replaced by T.
Protein change: p.Val300Phe; replaces valine 300 with phenylalanine.
Molecular consequence: missense variant.
Genome position (GRCh38, 1-based): chr22:28,703,515, C>A on the plus strand (G>T on the coding strand, the complement: CHEK2 is on the minus strand). VCF-style: chr22-28703515-C-A. GRCh37 (hg19) VCF-style: chr22-29099503-C-A.
Other names: c.1027G>T, p.Val343Phe (NM_001005735.3); c.235G>T, p.Val79Phe (NM_001257387.3); c.697G>T, p.Val233Phe (NM_001349956.3); c.898G>T, p.Val300Phe (NM_145862.3); short protein forms V233F, V300F, V79F, V343F.
Identifiers: ClinVar variation 2080513 (VCV002080513.5), dbSNP rs1171168822, ClinGen allele CA411100976.
Genomic context (GRCh38, chr22:28,703,515, plus strand): 5'-TATAAAGCATTTGAATGGAAACAGAAATTTTTAAAAAGTTTACTACTTACAATTCCAAAA[C>A]AATATAATAATCTTCTGCATCAAAAAAGTTTTTAATCTTGATGATGCAAGGCTAAGAAGA-3'
Protein context (NP_009125.1, residues 290-310): NFFDAEDYYI[Val300Phe]LELMEGGELF

ClinVar aggregate classification (germline): Uncertain significance. Review status: criteria provided, multiple submitters, no conflicts (2 of 4 stars). 2 submissions from 2 submitters: Uncertain significance (2). Last evaluated 2024-05-22.

Conditions:
Hereditary cancer-predisposing syndrome. Also called: Hereditary Cancer Syndrome; Tumor predisposition; Hereditary neoplastic syndrome; Neoplastic Syndromes, Hereditary. Identifiers: Orphanet 140162, MedGen C0027672, MeSH D009386, MONDO:0015356.
Familial cancer of breast. Also called: BREAST CANCER, FAMILIAL; Hereditary breast cancer; hereditary breast carcinoma. Identifiers: Orphanet 227535, MedGen C0346153, MONDO:0016419, OMIM 114480. Disease mechanism: loss of function.

Submissions (2):

Labcorp Genetics (formerly Invitae), Labcorp
Classification: Uncertain significance for Familial cancer of breast. Last evaluated: 2024-05-22. Review status: criteria provided, single submitter. Criteria: Invitae Variant Classification Sherloc (09022015). Collection method: clinical testing. Allele origin: germline.
Comment: This sequence change replaces valine, which is neutral and non-polar, with phenylalanine, which is neutral and non-polar, at codon 300 of the CHEK2 protein (p.Val300Phe). This variant is not present in population databases (gnomAD no frequency). This variant has not been reported in the literature in individuals affected with CHEK2-related conditions. ClinVar contains an entry for this variant (Variation ID: 2080513). An algorithm developed to predict the effect of missense changes on protein structure and function (PolyPhen-2) suggests that this variant is likely to be disruptive. In summary, the available evidence is currently insufficient to determine the role of this variant in disease. Therefore, it has been classified as a Variant of Uncertain Significance.

Ambry Genetics
Classification: Uncertain significance for Hereditary cancer-predisposing syndrome. Last evaluated: 2023-02-16. Review status: criteria provided, single submitter. Criteria: Ambry Variant Classification Scheme 2023. Collection method: clinical testing. Allele origin: germline.
Comment: The p.V300F variant (also known as c.898G>T), located in coding exon 7 of the CHEK2 gene, results from a G to T substitution at nucleotide position 898. The valine at codon 300 is replaced by phenylalanine, an amino acid with highly similar properties. This amino acid position is conserved. In addition, this alteration is predicted to be deleterious by in silico analysis. Since supporting evidence is limited at this time, the clinical significance of this alteration remains unclear.